The following is an entry in ClinVar:

NM_001113378.2(FANCI):c.3403A>T (p.Ile1135Phe)

Gene: FANCI (FA complementation group I; plus strand). Cytogenetic location: 15q26.1.
Variant type: single nucleotide variant.
Coding change: c.3403A>T on transcript NM_001113378.2 (MANE Select); coding-DNA position 3403, A replaced by T.
Protein change: p.Ile1135Phe; replaces isoleucine 1135 with phenylalanine.
Molecular consequence: missense variant.
Genome position (GRCh38, 1-based): chr15:89,306,060, A>T. VCF-style: chr15-89306060-A-T. GRCh37 (hg19) VCF-style: chr15-89849291-A-T.
Other names: c.3403A>T, p.Ile1135Phe (NM_001376911.1); c.3223A>T, p.Ile1075Phe (NM_018193.3); c.3124A>T, p.Ile1042Phe (NM_001376910.1); short protein forms I1042F, I1075F, I1135F.
Identifiers: ClinVar variation 1717100 (VCV001717100.5), dbSNP rs2054705923, ClinGen allele CA393740455.

ClinVar aggregate classification (germline): Uncertain significance (1 of 4 stars; one submission).

Conditions:
Fanconi anemia (FA). Also called: Fanconi's anemia. Identifiers: Orphanet 84, MedGen C0015625, MeSH D005199, MONDO:0019391.

Submission:

Labcorp Genetics (formerly Invitae), Labcorp
Classification: Uncertain significance for Fanconi anemia. Last evaluated: 2024-01-13. Review status: criteria provided, single submitter. Criteria: Invitae Variant Classification Sherloc (09022015). Collection method: clinical testing. Allele origin: germline.
Comment: This sequence change replaces isoleucine, which is neutral and non-polar, with phenylalanine, which is neutral and non-polar, at codon 1135 of the FANCI protein (p.Ile1135Phe). This variant is not present in population databases (gnomAD no frequency). This variant has not been reported in the literature in individuals affected with FANCI-related conditions. ClinVar contains an entry for this variant (Variation ID: 1717100). An algorithm developed to predict the effect of missense changes on protein structure and function (PolyPhen-2) suggests that this variant is likely to be tolerated. In summary, the available evidence is currently insufficient to determine the role of this variant in disease. Therefore, it has been classified as a Variant of Uncertain Significance.